The following is an entry in ClinVar:

ClinVar aggregate classification (germline): Uncertain significance. Review status: criteria provided, multiple submitters, no conflicts (2 of 4 stars). 2 submissions from 2 submitters: Uncertain significance (2). Last evaluated 2025-04-22.

Conditions:
Leber congenital amaurosis 13 (LCA13). Identifiers: MedGen C2675186, MONDO:0012990, OMIM 612712.

gnomAD v4.1: 12 of 1,614,056 alleles (0.00074%); highest among the groups gnomAD compares: Non-Finnish European, 0.001%; no homozygotes.

Submissions (2):

Labcorp Genetics (formerly Invitae), Labcorp
Classification: Uncertain significance for Leber congenital amaurosis 13. Last evaluated: 2025-04-22. Review status: criteria provided, single submitter. Criteria: Invitae Variant Classification Sherloc (09022015). Collection method: clinical testing. Allele origin: germline.
Comment: This sequence change replaces valine, which is neutral and non-polar, with methionine, which is neutral and non-polar, at codon 176 of the RDH12 protein (p.Val176Met). This variant is present in population databases (rs777916043, gnomAD 0.003%). This variant has not been reported in the literature in individuals affected with RDH12-related conditions. Invitae Evidence Modeling of protein sequence and biophysical properties (such as structural, functional, and spatial information, amino acid conservation, physicochemical variation, residue mobility, and thermodynamic stability) indicates that this missense variant is not expected to disrupt RDH12 protein function with a negative predictive value of 80%. In summary, the available evidence is currently insufficient to determine the role of this variant in disease. Therefore, it has been classified as a Variant of Uncertain Significance.

Blueprint Genetics
Classification: Uncertain significance. Last evaluated: 2022-11-10. Review status: criteria provided, single submitter. Criteria: ACMG Guidelines, 2015. Collection method: clinical testing. Allele origin: germline.

NM_152443.3(RDH12):c.526G>A (p.Val176Met)

Genes: GPHN (gephyrin; plus strand), RDH12 (retinol dehydrogenase 12; plus strand). Cytogenetic location: 14q24.1.
Variant type: single nucleotide variant.
Coding change: c.526G>A on transcript NM_152443.3 (MANE Select); coding-DNA position 526, G replaced by A.
Protein change: p.Val176Met; replaces valine 176 with methionine.
Molecular consequence: missense variant.
Genome position (GRCh38, 1-based): chr14:67,727,058, G>A. VCF-style: chr14-67727058-G-A. GRCh37 (hg19) VCF-style: chr14-68193775-G-A.
Other names: short protein forms V176M.
Identifiers: ClinVar variation 4724285 (VCV004724285.2).